The following is an entry in ClinVar:

ClinVar aggregate classification (germline): Uncertain significance (1 of 4 stars; one submission).

Conditions:
Capillary malformation-arteriovenous malformation syndrome. Also called: Capillary malformation-arteriovenous malformation. Identifiers: Orphanet 137667, MedGen C1842180, MONDO:0012016.

Submission:

Labcorp Genetics (formerly Invitae), Labcorp
Classification: Uncertain significance for Capillary malformation-arteriovenous malformation syndrome. Last evaluated: 2024-10-10. Review status: criteria provided, single submitter. Criteria: Invitae Variant Classification Sherloc (09022015). Collection method: clinical testing. Allele origin: germline.
Comment: This sequence change falls in intron 22 of the RASA1 gene. It does not directly change the encoded amino acid sequence of the RASA1 protein. It affects a nucleotide within the consensus splice site. This variant is not present in population databases (gnomAD no frequency). This variant has not been reported in the literature in individuals affected with RASA1-related conditions. Variants that disrupt the consensus splice site are a relatively common cause of aberrant splicing (PMID: 17576681, 9536098). Algorithms developed to predict the effect of sequence changes on RNA splicing suggest that this variant is not likely to affect RNA splicing. In summary, the available evidence is currently insufficient to determine the role of this variant in disease. Therefore, it has been classified as a Variant of Uncertain Significance.

Literature cited by the submitters: PubMed 17576681; PubMed 9536098.

NM_002890.3(RASA1):c.2847+3A>G

Genes: CCNH (cyclin H; minus strand), RASA1 (RAS p21 protein activator 1; plus strand). Cytogenetic location: 5q14.3.
Variant type: single nucleotide variant.
Coding change: c.2847+3A>G on transcript NM_002890.3 (MANE Select); 3 bases into the intron after coding-DNA position 2847, A replaced by G.
Molecular consequence: intron variant.
Genome position (GRCh38, 1-based): chr5:87,385,392, A>G. VCF-style: chr5-87385392-A-G. GRCh37 (hg19) VCF-style: chr5-86681209-A-G.
Other names: c.2316+3A>G (NM_022650.3); c.933+9652T>C (NM_001364075.2).
Identifiers: ClinVar variation 3688713 (VCV003688713.2).
Genomic context (GRCh38, chr5:87,385,392, plus strand): 5'-GATATTAGTGGCTAAATCTGTGCAGAACTTAGCAAATCTTGTGGAATTTGGAGCTAAGGT[A>G]AAAACATTTTGATACTTTAAAATGTAATTTATGAATGCAAGTTTGACATGATAAAACCAT-3'